The following is an entry in ClinVar:

NC_000017.10:g.(?_29677181)_(29687741_?)del

Gene: NF1 (neurofibromin 1; plus strand). Cytogenetic location: 17q11.2.
Variant type: Deletion.
Identifiers: ClinVar variation 3242879 (VCV003242879.1).

ClinVar aggregate classification (germline): Pathogenic (1 of 4 stars; one submission).

Conditions:
Neurofibromatosis, type 1 (NF1). Also called: VON RECKLINGHAUSEN DISEASE; Neurofibromatosis, type I; Peripheral type neurofibromatosis; NEUROFIBROMATOSIS, TYPE I, SOMATIC. Identifiers: Orphanet 636, MedGen C0027831, MONDO:0018975, OMIM 162200. Disease mechanism: loss of function.

Submission:

Labcorp Genetics (formerly Invitae), Labcorp
Classification: Pathogenic for Neurofibromatosis, type 1. Last evaluated: 2024-01-16. Review status: criteria provided, single submitter. Criteria: Invitae Variant Classification Sherloc (09022015). Collection method: clinical testing. Allele origin: unknown.
Comment: This variant is a gross deletion of the genomic region encompassing exon(s) 49-56 of the NF1 gene. This variant would be expected to be in-frame, preserving the integrity of the reading frame. This variant has not been reported in the literature in individuals affected with NF1-related conditions. This variant disrupts a region of the NF1 protein in which other variant(s) (p.Ala2716Asp) have been determined to be pathogenic (Invitae). This suggests that this is a clinically significant region of the protein, and that variants that disrupt it are likely to be disease-causing. For these reasons, this variant has been classified as Pathogenic.